The following is an entry in ClinVar:

ClinVar aggregate classification (germline): Likely benign (1 of 4 stars; one submission).

Allele frequency attached by ClinVar (database versions not stated): gnomAD exomes 0.00080; gnomAD 0.00808 and 0.00874; 1000 Genomes Project 0.00879; 1000 Genomes Project 30x 0.00890; TOPMed 0.00972.

Submission:

GeneDx
Classification: Likely benign. Last evaluated: 2018-06-18. Review status: criteria provided, single submitter. Criteria: GeneDx Variant Classification (06012015). Collection method: clinical testing. Allele origin: germline. Affected: yes.
Comment: This variant is considered likely benign or benign based on one or more of the following criteria: it is a conservative change, it occurs at a poorly conserved position in the protein, it is predicted to be benign by multiple in silico algorithms, and/or has population frequency not consistent with disease.

NM_000083.3(CLCN1):c.1472-66T>C

Gene: CLCN1 (chloride voltage-gated channel 1; plus strand). Cytogenetic location: 7q34.
Variant type: single nucleotide variant.
Coding change: c.1472-66T>C on transcript NM_000083.3 (MANE Select); 66 bases into the intron before coding-DNA position 1472, T replaced by C.
Molecular consequence: intron variant.
Genome position (GRCh38, 1-based): chr7:143,339,445, T>C. VCF-style: chr7-143339445-T-C. GRCh37 (hg19) VCF-style: chr7-143036538-T-C.
Identifiers: ClinVar variation 679394 (VCV000679394.1), dbSNP rs142982744, ClinGen allele CA168219692.